The following is an entry in ClinVar:

NM_147686.4(TRAF3IP2):c.580A>G (p.Thr194Ala)

Genes: TRAF3IP2 (TRAF3 interacting protein 2; minus strand), TRAF3IP2-AS1 (TRAF3IP2 antisense RNA 1; plus strand), LOC114803478 (TRAF3IP2 eExon liver enhancer; plus strand). Cytogenetic location: 6q21.
Variant type: single nucleotide variant.
Coding change: c.580A>G on transcript NM_147686.4 (MANE Select); coding-DNA position 580, A replaced by G.
Protein change: p.Thr194Ala; replaces threonine 194 with alanine.
Molecular consequence: missense variant.
Genome position (GRCh38, 1-based): chr6:111,591,507, T>C on the plus strand (A>G on the coding strand, the complement: TRAF3IP2 is on the minus strand). VCF-style: chr6-111591507-T-C. GRCh37 (hg19) VCF-style: chr6-111912710-T-C.
Other names: c.580A>G, p.Thr194Ala (NM_001164281.3); c.607A>G, p.Thr203Ala (NM_147200.3); short protein forms T194A, T203A.
Identifiers: ClinVar variation 1040300 (VCV001040300.10), dbSNP rs147059564, ClinGen allele CA3963293.
Genomic context (GRCh38, chr6:111,591,507, plus strand): 5'-TTTCCAGCTGCCTGATGCCCAGGACATCCTGGGGCTGGGAATCATATCCCGTGTCTATGG[T>C]TGGCAGATCCAGGCCTGCTCGGTTCCTGTGAGGCTGGGGCCGTTGCACCATCTCCTGGCT-3'
Protein context (NP_679211.2, residues 184-204): HRNRAGLDLP[Thr194Ala]IDTGYDSQPQ

ClinVar aggregate classification (germline): Uncertain significance (1 of 4 stars; one submission).

Conditions:
Candidiasis, familial, 8 (CANDF8). Identifiers: Orphanet 1334, MedGen C3714992, MONDO:0014230, OMIM 615527.

Allele frequency attached by ClinVar (database versions not stated): ExAC 0.00001; gnomAD 0.00001; gnomAD exomes 0.00001 and below 0.00001; TOPMed 0.00001; ESP Exome Variant Server 0.00008.
gnomAD v4.1: 5 of 1,611,934 alleles (0.00031%); highest among the groups gnomAD compares: African/African-American, 0.0053%; no homozygotes.

Submission:

Labcorp Genetics (formerly Invitae), Labcorp
Classification: Uncertain significance for Candidiasis, familial, 8. Last evaluated: 2022-09-19. Review status: criteria provided, single submitter. Criteria: Invitae Variant Classification Sherloc (09022015). Collection method: clinical testing. Allele origin: germline.
Comment: This sequence change replaces threonine, which is neutral and polar, with alanine, which is neutral and non-polar, at codon 194 of the TRAF3IP2 protein (p.Thr194Ala). This variant is present in population databases (rs147059564, gnomAD 0.007%). In summary, the available evidence is currently insufficient to determine the role of this variant in disease. Therefore, it has been classified as a Variant of Uncertain Significance. Advanced modeling of protein sequence and biophysical properties (such as structural, functional, and spatial information, amino acid conservation, physicochemical variation, residue mobility, and thermodynamic stability) performed at Invitae indicates that this missense variant is not expected to disrupt TRAF3IP2 protein function. ClinVar contains an entry for this variant (Variation ID: 1040300). This variant has not been reported in the literature in individuals affected with TRAF3IP2-related conditions.